The following is an entry in ClinVar:

ClinVar aggregate classification (germline): Uncertain significance. Review status: criteria provided, multiple submitters, no conflicts (2 of 4 stars). 3 submissions from 3 submitters: Uncertain significance (3). Last evaluated 2023-02-10.

Conditions:
Inborn genetic diseases. Identifiers: MedGen C0950123, MeSH D030342.
3-hydroxyisobutyryl-CoA hydrolase deficiency. Also called: HIBCH DEFICIENCY; Reduced circulating 3-hydroxyisobutyryl-CoA hydrolase activity; Deficiency of 3-hydroxyisobutyryl CoA hydrolase; METHACRYLIC ACID TOXICITY; METHACRYLIC ACIDURIA; VALINE METABOLIC DEFECT. Identifiers: Orphanet 88639, MedGen C0342738, MONDO:0009603, OMIM 250620, HP:6000215.

Allele frequency attached by ClinVar (database versions not stated): gnomAD exomes 0.00003 and 0.00004; ExAC 0.00004; ESP Exome Variant Server 0.00008; gnomAD 0.00008 and 0.00009; TOPMed 0.00009.
gnomAD v4.1: 63 of 1,613,492 alleles (0.0039%); highest among the groups gnomAD compares: African/African-American, 0.02%; no homozygotes.

Submissions (3):

Ambry Genetics
Classification: Uncertain significance for Inborn genetic diseases. Last evaluated: 2023-02-10. Review status: criteria provided, single submitter. Criteria: Ambry Variant Classification Scheme 2023. Collection method: clinical testing. Allele origin: germline.

GeneDx
Classification: Uncertain significance. Last evaluated: 2021-11-09. Review status: criteria provided, single submitter. Criteria: GeneDx Variant Classification Process June 2021. Collection method: clinical testing. Allele origin: germline. Affected: yes.
Comment: In silico analysis supports that this missense variant does not alter protein structure/function; Has not been previously published as pathogenic or benign to our knowledge

Labcorp Genetics (formerly Invitae), Labcorp
Classification: Uncertain significance for 3-hydroxyisobutyryl-CoA hydrolase deficiency. Last evaluated: 2021-11-04. Review status: criteria provided, single submitter. Criteria: Invitae Variant Classification Sherloc (09022015). Collection method: clinical testing. Allele origin: germline.
Comment: This sequence change replaces valine, which is neutral and non-polar, with isoleucine, which is neutral and non-polar, at codon 346 of the HIBCH protein (p.Val346Ile). This variant is present in population databases (rs367938014, gnomAD 0.03%). This variant has not been reported in the literature in individuals affected with HIBCH-related conditions. Algorithms developed to predict the effect of missense changes on protein structure and function output the following: SIFT: "Tolerated"; PolyPhen-2: "Benign"; Align-GVGD: "Class C0". The isoleucine amino acid residue is found in multiple mammalian species, which suggests that this missense change does not adversely affect protein function. In summary, the available evidence is currently insufficient to determine the role of this variant in disease. Therefore, it has been classified as a Variant of Uncertain Significance.

NM_014362.4(HIBCH):c.1036G>A (p.Val346Ile)

Gene: HIBCH (3-hydroxyisobutyryl-CoA hydrolase; minus strand). Cytogenetic location: 2q32.2.
Variant type: single nucleotide variant.
Coding change: c.1036G>A on transcript NM_014362.4 (MANE Select); coding-DNA position 1036, G replaced by A.
Protein change: p.Val346Ile; replaces valine 346 with isoleucine.
Molecular consequence: missense variant. On other transcripts: intron variant (1).
Genome position (GRCh38, 1-based): chr2:190,208,889, C>T on the plus strand (G>A on the coding strand, the complement: HIBCH is on the minus strand). VCF-style: chr2-190208889-C-T. GRCh37 (hg19) VCF-style: chr2-191073615-C-T.
Other names: c.1012-3657G>A (NM_198047.3); short protein forms V346I.
Identifiers: ClinVar variation 1321813 (VCV001321813.6), dbSNP rs367938014, ClinGen allele CA2027379.
Genomic context (GRCh38, chr2:190,208,889, plus strand): 5'-TGCTCACAAATCCCATTTCCCCAAAATGGTAAGTTCCCATTTGCCACTTACCAGCTCTAA[C>T]GCCTTCATGAAAGTCATGACCTCTCTGAAAGAAAATTGAGATTAAATGGGGATAATTTCT-3'
Protein context (NP_055177.2, residues 336-356): CMRGHDFHEG[Val346Ile]RAVLIDKDQS